The following is an entry in ClinVar:

NM_018122.5(DARS2):c.*210T>C

Gene: DARS2 (aspartyl-tRNA synthetase 2, mitochondrial; plus strand). Cytogenetic location: 1q25.1.
Variant type: single nucleotide variant.
Coding change: c.*210T>C on transcript NM_018122.5 (MANE Select); 210 bases downstream of the stop codon, T replaced by C.
Molecular consequence: 3 prime UTR variant.
Genome position (GRCh38, 1-based): chr1:173,857,915, T>C. VCF-style: chr1-173857915-T-C. GRCh37 (hg19) VCF-style: chr1-173827053-T-C.
Other names: c.*210T>C (NM_001365212.1).
Identifiers: ClinVar variation 293832 (VCV000293832.8), dbSNP rs9425758, ClinGen allele CA10608836.

ClinVar aggregate classification (germline): Benign. Review status: criteria provided, multiple submitters, no conflicts (2 of 4 stars). 4 submissions from 4 submitters: Benign (4). Last evaluated 2023-04-11.

Conditions:
Leukoencephalopathy with brain stem and spinal cord involvement-high lactate syndrome (LBSL). Also called: LEUKOENCEPHALOPATHY WITH BRAINSTEM AND SPINAL CORD INVOLVEMENT AND LACTATE ELEVATION, MILD; MITOCHONDRIAL ASPARTYL-tRNA SYNTHETASE DEFICIENCY; Leukoencephalopathy with Brainstem and Spinal Cord Involvement and Lactate Elevation. Identifiers: Orphanet 137898, MedGen C1970180, MONDO:0012622, OMIM 611105.

Allele frequency attached by ClinVar (database versions not stated): gnomAD exomes 0.01304; gnomAD 0.09126 and 0.09751; TOPMed 0.10284; 1000 Genomes Project 0.11162; 1000 Genomes Project 30x 0.11852.
gnomAD v4.1: 19,836 of 589,750 alleles (3.4%); highest among the groups gnomAD compares: African/African-American, 31%; 2,674 homozygotes.

Submissions (4):

Genome-Nilou Lab
Classification: Benign for Leukoencephalopathy with brain stem and spinal cord involvement-high lactate syndrome. Last evaluated: 2023-04-11. Review status: criteria provided, single submitter. Criteria: ACMG Guidelines, 2015. Collection method: clinical testing. Allele origin: germline. Affected: no.

GeneDx
Classification: Benign. Last evaluated: 2018-06-16. Review status: criteria provided, single submitter. Criteria: GeneDx Variant Classification Process June 2021. Collection method: clinical testing. Allele origin: germline. Affected: yes.

Illumina Laboratory Services, Illumina
Classification: Benign for Leukoencephalopathy with brain stem and spinal cord involvement-high lactate syndrome. Last evaluated: 2018-01-13. Review status: criteria provided, single submitter. Criteria: ICSL Variant Classification Criteria 13 December 2019. Collection method: clinical testing. Allele origin: germline.
Comment: This variant was observed in the ICSL laboratory as part of a predisposition screen in an ostensibly healthy population. It had not been previously curated by ICSL or reported in the Human Gene Mutation Database (HGMD: prior to June 1st, 2018), and was therefore a candidate for classification through an automated scoring system. Utilizing variant allele frequency, disease prevalence and penetrance estimates, and inheritance mode, an automated score was calculated to assess if this variant is too frequent to cause the disease. Based on the score and internal cut-off values, a variant classified as benign is not then subjected to further curation. The score for this variant resulted in a classification of benign for this disease.

Breakthrough Genomics
Classification: Benign. Review status: criteria provided, single submitter. Criteria: ACMG Guidelines, 2015. Collection method: not provided. Allele origin: germline. Inheritance: Autosomal recessive inheritance. Affected: yes.